The following is an entry in ClinVar:

NM_198252.3(GSN):c.722C>T (p.Ala241Val)

Gene: GSN (gelsolin; plus strand). Cytogenetic location: 9q33.2.
Variant type: single nucleotide variant.
Coding change: c.722C>T on transcript NM_198252.3 (MANE Select); coding-DNA position 722, C replaced by T.
Protein change: p.Ala241Val; replaces alanine 241 with valine.
Molecular consequence: missense variant.
Genome position (GRCh38, 1-based): chr9:121,313,992, C>T. VCF-style: chr9-121313992-C-T. GRCh37 (hg19) VCF-style: chr9-124076270-C-T.
Other names: c.755C>T, p.Ala252Val (NM_001353066.2, NM_001353067.2, NM_001353068.2 and 13 more transcripts); c.875C>T, p.Ala292Val (NM_000177.5); c.722C>T, p.Ala241Val (NM_001127662.2, NM_001127664.2, NM_001127665.2 and 10 more transcripts); c.830C>T, p.Ala277Val (NM_001127663.2); c.773C>T, p.Ala258Val (NM_001258029.2); c.746C>T, p.Ala249Val (NM_001258030.2); c.794C>T, p.Ala265Val (NM_001353076.2); c.68C>T, p.Ala23Val (NM_001353078.2); short protein forms A23V, A241V, A249V, A265V, A277V, A252V, A258V, A292V.
Identifiers: ClinVar variation 1394223 (VCV001394223.33), dbSNP rs144375242, ClinGen allele CA5221006.

ClinVar aggregate classification (germline): Conflicting classifications of pathogenicity. Review status: criteria provided, conflicting classifications (1 of 4 stars). 5 submissions from 5 submitters: Uncertain significance (2); Likely benign (3). Last evaluated 2026-01-21.

Conditions:
GSN-related disorder. Also called: GSN-related condition.
Inborn genetic diseases. Identifiers: MedGen C0950123, MeSH D030342.

Allele frequency attached by ClinVar (database versions not stated): gnomAD 0.00011; TOPMed 0.00011; ESP Exome Variant Server 0.00015.
gnomAD v4.1: 319 of 1,613,876 alleles (0.02%); highest among the groups gnomAD compares: South Asian, 0.071%; no homozygotes.

Submissions (5):

Labcorp Genetics (formerly Invitae), Labcorp
Classification: Uncertain significance. Last evaluated: 2026-01-21. Review status: criteria provided, single submitter. Criteria: Invitae Variant Classification Sherloc (09022015). Collection method: clinical testing. Allele origin: germline.
Comment: This sequence change replaces alanine, which is neutral and non-polar, with valine, which is neutral and non-polar, at codon 292 of the GSN protein (p.Ala292Val). This variant is present in population databases (rs144375242, gnomAD 0.06%), and has an allele count higher than expected for a pathogenic variant. This variant has not been reported in the literature in individuals affected with GSN-related conditions. ClinVar contains an entry for this variant (Variation ID: 1394223). An algorithm developed to predict the effect of missense changes on protein structure and function (PolyPhen-2) suggests that this variant is likely to be tolerated. In summary, the available evidence is currently insufficient to determine the role of this variant in disease. Therefore, it has been classified as a Variant of Uncertain Significance.

Women's Health and Genetics/Laboratory Corporation of America, LabCorp
Classification: Uncertain significance. Last evaluated: 2025-07-17. Review status: criteria provided, single submitter. Criteria: LabCorp Variant Classification Summary - May 2015. Collection method: clinical testing. Allele origin: germline.
Comment: Variant summary: GSN c.875C>T (p.Ala292Val) results in a non-conservative amino acid change in the encoded protein sequence. Algorithms developed to predict the effect of missense changes on protein structure and function are either unavailable or do not agree on the potential impact of this missense change. The variant allele was found at a frequency of 0.00019 in 250414 control chromosomes. This frequency is not significantly higher than estimated for a pathogenic variant in GSN causing Meretoja Syndrome, allowing no conclusion about variant significance. To our knowledge, no occurrence of c.875C>T in individuals affected with Meretoja Syndrome and no experimental evidence demonstrating its impact on protein function have been reported. ClinVar contains an entry for this variant (Variation ID: 1394223). Based on the evidence outlined above, the variant was classified as uncertain significance.

PreventionGenetics, part of Exact Sciences
Classification: Likely benign for GSN-related condition. Last evaluated: 2025-03-19. Review status: criteria provided, single submitter. Criteria: ACMG Guidelines, 2015. Collection method: clinical testing. Allele origin: germline.
Comment: This variant is classified as likely benign based on ACMG/AMP sequence variant interpretation guidelines (Richards et al. 2015 PMID: 25741868, with internal and published modifications).

CeGaT Center for Human Genetics Tuebingen
Classification: Likely benign. Last evaluated: 2023-01-01. Review status: criteria provided, single submitter. Criteria: CeGaT Center For Human Genetics Tuebingen Variant Classification Criteria Version 2. Collection method: clinical testing. Allele origin: germline. Affected: yes. Observed: 1 variant allele.
Comment: GSN: BP4

Ambry Genetics
Classification: Likely benign for Inborn genetic diseases. Last evaluated: 2021-11-22. Review status: criteria provided, single submitter. Criteria: Ambry Variant Classification Scheme 2023. Collection method: clinical testing. Allele origin: germline.